The following is an entry in ClinVar:

ClinVar aggregate classification (germline): Uncertain significance (1 of 4 stars; one submission).

gnomAD v4.1: 3 of 1,571,778 alleles (0.00019%); highest among the groups gnomAD compares: Non-Finnish European, 0.00026%; no homozygotes.

Submission:

Labcorp Genetics (formerly Invitae), Labcorp
Classification: Uncertain significance. Last evaluated: 2025-03-07. Review status: criteria provided, single submitter. Criteria: Invitae Variant Classification Sherloc (09022015). Collection method: clinical testing. Allele origin: germline.
Comment: This sequence change replaces methionine, which is neutral and non-polar, with valine, which is neutral and non-polar, at codon 528 of the LEMD3 protein (p.Met528Val). This variant is not present in population databases (gnomAD no frequency). This variant has not been reported in the literature in individuals affected with LEMD3-related conditions. Invitae Evidence Modeling of protein sequence and biophysical properties (such as structural, functional, and spatial information, amino acid conservation, physicochemical variation, residue mobility, and thermodynamic stability) indicates that this missense variant is not expected to disrupt LEMD3 protein function with a negative predictive value of 80%. In summary, the available evidence is currently insufficient to determine the role of this variant in disease. Therefore, it has been classified as a Variant of Uncertain Significance.

NM_014319.5(LEMD3):c.1582A>G (p.Met528Val)

Gene: LEMD3 (LEM domain containing 3; plus strand). Cytogenetic location: 12q14.3.
Variant type: single nucleotide variant.
Coding change: c.1582A>G on transcript NM_014319.5 (MANE Select); coding-DNA position 1582, A replaced by G.
Protein change: p.Met528Val; replaces methionine 528 with valine.
Molecular consequence: missense variant.
Genome position (GRCh38, 1-based): chr12:65,215,998, A>G. VCF-style: chr12-65215998-A-G. GRCh37 (hg19) VCF-style: chr12-65609778-A-G.
Other names: c.1579A>G, p.Met527Val (NM_001167614.2); short protein forms M527V, M528V.
Identifiers: ClinVar variation 4738663 (VCV004738663.1).
Genomic context (GRCh38, chr12:65,215,998, plus strand): 5'-TGTAATTGGGTATTTCATAATAACTTCTCTTAATTTTAGGAAAGTGAAAAAACTCTTATG[A>G]TGAACACATTATATAAGCTTCATGATCGATTGGCACAGCTTGCAGGTAATTGTTTTAACT-3'
Protein context (NP_055134.2, residues 518-538): KIQESEKTLM[Met528Val]NTLYKLHDRL